The following is an entry in ClinVar:

NM_004444.5(EPHB4):c.2838C>A (p.Asp946Glu)

Gene: EPHB4 (EPH receptor B4; minus strand). Cytogenetic location: 7q22.1.
Variant type: single nucleotide variant.
Coding change: c.2838C>A on transcript NM_004444.5 (MANE Select); coding-DNA position 2838, C replaced by A.
Protein change: p.Asp946Glu; replaces aspartic acid 946 with glutamic acid.
Molecular consequence: missense variant.
Genome position (GRCh38, 1-based): chr7:100,803,587, G>T on the plus strand (C>A on the coding strand, the complement: EPHB4 is on the minus strand). VCF-style: chr7-100803587-G-T. GRCh37 (hg19) VCF-style: chr7-100401209-G-T.
Other names: short protein forms D946E.
Identifiers: ClinVar variation 1796671 (VCV001796671.2), dbSNP rs998394553, ClinGen allele CA368566154.

ClinVar aggregate classification (germline): Uncertain significance (1 of 4 stars; one submission).

Conditions:
Cardiovascular phenotype. Identifiers: MedGen CN230736.

Submission:

Ambry Genetics
Classification: Uncertain significance for Cardiovascular phenotype. Last evaluated: 2019-11-27. Review status: criteria provided, single submitter. Criteria: Ambry Variant Classification Scheme 2023. Collection method: clinical testing. Allele origin: germline.
Comment: The p.D946E variant (also known as c.2838C>A), located in coding exon 17 of the EPHB4 gene, results from a C to A substitution at nucleotide position 2838. The aspartic acid at codon 946 is replaced by glutamic acid, an amino acid with highly similar properties. This amino acid position is highly conserved in available vertebrate species. In addition, this alteration is predicted to be tolerated by in silico analysis. Since supporting evidence is limited at this time, the clinical significance of this alteration remains unclear.